The following is an entry in ClinVar:

ClinVar aggregate classification (germline): Conflicting classifications of pathogenicity. Review status: criteria provided, conflicting classifications (1 of 4 stars). 2 submissions from 2 submitters: Pathogenic (1); Uncertain significance (1). Last evaluated 2016-02-19.

Submissions (2):

Center for Personalized Medicine, Children's Hospital Los Angeles
Classification: Uncertain significance. Last evaluated: 2016-02-19. Review status: criteria provided, single submitter. Criteria: ACMG Guidelines, 2015. Collection method: clinical testing. Allele origin: germline. Affected: yes.

GeneDx
Classification: Pathogenic. Last evaluated: 2015-07-16. Review status: criteria provided, single submitter. Criteria: GeneDx Variant Classification (06012015). Collection method: clinical testing. Allele origin: germline. Affected: yes.
Comment: The c.96096_96097dupCA variant in the TTN gene has not been reported previously as a disease-causing variant nor as a benign polymorphism, to our knowledge. The c.96096_96097dupCA variant causes a frameshift starting with codon Arginine 32033 changes this amino acid to a Threonine residue, and creates a premature Stop codon at position 36 of the new reading frame, denoted p.Arg32033ThrfsX36. This variant is predicted to cause loss of normal protein function either through protein truncation or nonsense-mediated mRNA decay. It is located within the region of the A-band where protein truncating pathogenic variants have been reported to be associated with TTN-related disorders. The c.96096_96097dupCA variant was not observed in approximately 6,100 individuals of European and African American ancestry in the NHLBI Exome Sequencing Project, indicating it is not a common benign variant in these populations. We interpret c.96096_96097dupCA as a pathogenic variant.

NM_001267550.2(TTN):c.101019_101020dup (p.Arg33674fs)

Genes: TTN (titin; minus strand), TTN-AS1 (TTN antisense RNA 1; plus strand). Cytogenetic location: 2q31.2.
Variant type: Duplication.
Coding change: c.101019_101020dup on transcript NM_001267550.2 (MANE Select); coding-DNA positions 101019 to 101020, 2 bases duplicated (CA; older notation c.101019_101020dupCA).
Protein change: p.Arg33674fs; shifts the reading frame from arginine 33674.
Molecular consequence: frameshift variant.
Genome position (GRCh38, 1-based): chr2:178,535,595-178,535,596, TG duplicated on the plus strand (CA on the coding strand, the reverse complement: TTN is on the minus strand); duplicating any 2 consecutive bases within chr2:178,535,595-178,535,597 gives the same sequence; the c. name uses the placement nearest the transcript's 3' end. VCF-style (leftmost placement, unchanged base first): chr2-178535594-C-CTG. GRCh37 (hg19) VCF-style: chr2-179400321-C-CTG.
Other names: c.101019_101020dup (LRG_391t1); c.96096_96097dup, p.Arg32033fs (NM_001256850.1); c.73824_73825dup, p.Arg24609fs (NM_003319.4); c.93315_93316dup, p.Arg31106fs (NM_133378.4); c.74199_74200dup, p.Arg24734fs (NM_133432.3); c.74400_74401dup, p.Arg24801fs (NM_133437.4); c.96096_96097dupCA (NM_001256850.1); short protein forms R32033fs, R33674fs, R24734fs, R31106fs, R24609fs, R24801fs.
Identifiers: ClinVar variation 279965 (VCV000279965.4), dbSNP rs886041287, ClinGen allele CA10602822.
Genomic context (GRCh38, chr2:178,535,594, plus strand): 5'-CTGGGTGGGTCAGGAACATCAGCCACATCCAGTTCAACTGTCTTCTGATCAATTCCAAAT[C>CTG]TGTTTTTAGCACAGACCACATAGAAACCAGCATCTTTTCTCTCTACCCCATTGGGGAAAA-3'